The following is an entry in ClinVar:

NM_020975.6(RET):c.223A>G (p.Thr75Ala)

Gene: RET (ret proto-oncogene; plus strand). Cytogenetic location: 10q11.21.
Variant type: single nucleotide variant.
Coding change: c.223A>G on transcript NM_020975.6 (MANE Select); coding-DNA position 223, A replaced by G.
Protein change: p.Thr75Ala; replaces threonine 75 with alanine.
Molecular consequence: missense variant. On other transcripts: intron variant (4).
Genome position (GRCh38, 1-based): chr10:43,100,608, A>G. VCF-style: chr10-43100608-A-G. GRCh37 (hg19) VCF-style: chr10-43596056-A-G.
Other names: c.223A>G, p.Thr75Ala (NM_001406743.1, NM_001406744.1, NM_001406759.1 and 32 more transcripts); c.74-8423A>G (NM_001406784.1); c.74-11491A>G (NM_001406794.1, NM_001406792.1, NM_001406793.1); short protein forms T75A.
Identifiers: ClinVar variation 4885570 (VCV004885570.2).

ClinVar aggregate classification (germline): Uncertain significance (1 of 4 stars; one submission).

Submission:

Dasa
Classification: Uncertain significance. Last evaluated: 2025-06-08. Review status: criteria provided, single submitter. Criteria: DASA Assertion Criteria. Collection method: clinical testing. Allele origin: germline.
Comment: NM_020975.6(RET):c.223A>G (p.Thr75Ala) is a missense variant that results in the substitution of threonine with alanine. This variant is absent from population databases. Computational prediction algorithms are consistent with a benign effect. The currently available literature and clinical evidence are not sufficient to establish a definitive association between this variant and the reported condition. Therefore, this variant is classified as a variant of uncertain significance.